The following is an entry in ClinVar:

ClinVar aggregate classification (germline): Pathogenic/Likely pathogenic. Review status: criteria provided, multiple submitters, no conflicts (2 of 4 stars). 2 submissions from 2 submitters: Pathogenic (1); Likely pathogenic (1). Last evaluated 2022-01-31.

Conditions:
Epilepsy. Also called: Seizure disorder. Identifiers: MedGen C0014544, MeSH D004827, MONDO:0005027.
Developmental and epileptic encephalopathy, 77. Also called: GLYCOSYLPHOSPHATIDYLINOSITOL BIOSYNTHESIS DEFECT 19; EPILEPTIC ENCEPHALOPATHY, EARLY INFANTILE, 77; MULTIPLE CONGENITAL ANOMALIES-HYPOTONIA-SEIZURES SYNDROME 4. Identifiers: MedGen C5231405, MONDO:0032808, OMIM 618548.

Submissions (2):

Labcorp Genetics (formerly Invitae), Labcorp
Classification: Pathogenic for Epilepsy. Last evaluated: 2022-01-31. Review status: criteria provided, single submitter. Criteria: Invitae Variant Classification Sherloc (09022015). Collection method: clinical testing. Allele origin: germline.
Comment: For these reasons, this variant has been classified as Pathogenic. ClinVar contains an entry for this variant (Variation ID: 1324910). This variant has not been reported in the literature in individuals affected with PIGQ-related conditions. This variant is not present in population databases (gnomAD no frequency). This sequence change creates a premature translational stop signal (p.Leu81Trpfs*89) in the PIGQ gene. It is expected to result in an absent or disrupted protein product. Loss-of-function variants in PIGQ are known to be pathogenic (PMID: 24463883, 25558065).

Revvity Omics, Revvity
Classification: Likely pathogenic for Developmental and epileptic encephalopathy, 77. Last evaluated: 2021-10-13. Review status: criteria provided, single submitter. Criteria: ACMG Guidelines, 2015. Collection method: clinical testing. Allele origin: germline.

Literature cited by the submitters: PubMed 24463883 (cited by Labcorp Genetics (formerly Invitae), Labcorp); PubMed 25558065 (cited by Labcorp Genetics (formerly Invitae), Labcorp).

NM_004204.5(PIGQ):c.241del (p.Leu81fs)

Gene: PIGQ (phosphatidylinositol glycan anchor biosynthesis class Q; plus strand). Cytogenetic location: 16p13.3.
Variant type: Deletion.
Coding change: c.241del on transcript NM_004204.5 (MANE Select); coding-DNA position 241, one base deleted (C; older notation c.241delC).
Protein change: p.Leu81fs; shifts the reading frame from leucine 81.
Molecular consequence: frameshift variant.
Genome position (GRCh38, 1-based): chr16:574,315, C deleted; the last of 2 consecutive C bases (chr16:574,314-574,315); deleting either gives the same sequence. VCF-style (leftmost placement, unchanged base first): chr16-574313-TC-T. GRCh37 (hg19) VCF-style: chr16-624313-TC-T.
Other names: c.241del, p.Leu81fs (NM_148920.4); short protein forms L81fs.
Identifiers: ClinVar variation 1324910 (VCV001324910.10), dbSNP rs2151044300, ClinGen allele CA2573054246.